The following is an entry in ClinVar:

NM_001394807.1(ADPRHL1):c.1695C>T (p.Ala565=)

Gene: ADPRHL1 (ADP-ribosylhydrolase like 1; minus strand). Cytogenetic location: 13q34.
Variant type: single nucleotide variant.
Coding change: c.1695C>T on transcript NM_001394807.1 (MANE Select); coding-DNA position 1695, C replaced by T.
Protein change: p.Ala565=; no amino-acid change (alanine 565 retained).
Molecular consequence: synonymous variant.
Genome position (GRCh38, 1-based): chr13:113,407,587, G>A on the plus strand (C>T on the coding strand, the complement: ADPRHL1 is on the minus strand). VCF-style: chr13-113407587-G-A. GRCh37 (hg19) VCF-style: chr13-114061902-G-A.
Other names: c.603C>T, p.Ala201= (NM_001304433.1, NM_001375393.1).
Identifiers: ClinVar variation 4535325 (VCV004535325.6).

ClinVar aggregate classification (germline): Likely benign (1 of 4 stars; one submission).

gnomAD v4.1: 15 of 1,232,176 alleles (0.0012%); highest among the groups gnomAD compares: Non-Finnish European, 0.0015%; no homozygotes.

Submission:

CeGaT Center for Human Genetics Tuebingen
Classification: Likely benign. Last evaluated: 2025-11-01. Review status: criteria provided, single submitter. Criteria: CeGaT Center For Human Genetics Tuebingen Variant Classification Criteria Version 2. Collection method: clinical testing. Allele origin: germline. Affected: yes. Observed: 1 variant allele.
Comment: ADPRHL1: BP4, BP7